The following is an entry in ClinVar:

ClinVar aggregate classification (germline): Pathogenic (1 of 4 stars; one submission).

Submission:

Labcorp Genetics (formerly Invitae), Labcorp
Classification: Pathogenic. Last evaluated: 2023-10-17. Review status: criteria provided, single submitter. Criteria: Invitae Variant Classification Sherloc (09022015). Collection method: clinical testing. Allele origin: germline.
Comment: This sequence change creates a premature translational stop signal (p.Gln462*) in the MYO7A gene. It is expected to result in an absent or disrupted protein product. Loss-of-function variants in MYO7A are known to be pathogenic (PMID: 8900236, 25404053). This variant is not present in population databases (gnomAD no frequency). This premature translational stop signal has been observed in individual(s) with Usher syndrome (PMID: 31479088). For these reasons, this variant has been classified as Pathogenic.

Literature cited by the submitters: PubMed 8900236; PubMed 25404053; PubMed 31479088.

NM_000260.4(MYO7A):c.1384C>T (p.Gln462Ter)

Gene: MYO7A (myosin VIIA; plus strand). Cytogenetic location: 11q13.5.
Variant type: single nucleotide variant.
Coding change: c.1384C>T on transcript NM_000260.4 (MANE Select); coding-DNA position 1384, C replaced by T.
Protein change: p.Gln462Ter; replaces glutamine 462 with a stop codon.
Molecular consequence: nonsense.
Genome position (GRCh38, 1-based): chr11:77,162,160, C>T. VCF-style: chr11-77162160-C-T. GRCh37 (hg19) VCF-style: chr11-76873206-C-T.
Other names: c.1384C>T, p.Gln462Ter (NM_001127180.2); c.1351C>T, p.Gln451Ter (NM_001369365.1); short protein forms Q462*, Q451*.
Identifiers: ClinVar variation 2907414 (VCV002907414.3), dbSNP rs782309275, ClinGen allele CA381935281.
Genomic context (GRCh38, chr11:77,162,160, plus strand): 5'-CCATCCCTGTGCCCCTGCAGCTTTGAGCAGCTCTGCATCAACTTCGCCAATGAGCACCTG[C>T]AGCAGTTCTTTGTGCGGCACGTGTTCAAGCTGGAGCAGGAGGAATATGACCTGGAGAGCA-3'